The following is an entry in ClinVar:

ClinVar aggregate classification (germline): Uncertain significance (1 of 4 stars; one submission).

Conditions:
Progressive myoclonic epilepsy type 5. Identifiers: Orphanet 402082, MedGen C5190799.

Allele frequency attached by ClinVar (database versions not stated): gnomAD exomes below 0.00001.
gnomAD v4.1: 1 of 1,614,134 alleles (0.000062%); highest among the groups gnomAD compares: Non-Finnish European, 0.000085%; no homozygotes.

Submission:

Labcorp Genetics (formerly Invitae), Labcorp
Classification: Uncertain significance for Progressive myoclonic epilepsy type 5. Last evaluated: 2018-09-14. Review status: criteria provided, single submitter. Criteria: Invitae Variant Classification Sherloc (09022015). Collection method: clinical testing. Allele origin: germline.
Comment: In summary, this variant is a novel missense change with uncertain impact on protein function. It has been classified as a Variant of Uncertain Significance. Algorithms developed to predict the effect of missense changes on protein structure and function do not agree on the potential impact of this missense change (SIFT: "Deleterious"; PolyPhen-2: "Possibly Damaging"; Align-GVGD: "Class C15"). This variant is not present in population databases (ExAC no frequency) and has not been reported in the literature in individuals with a PRICKLE2-related disease. This sequence change replaces cysteine with phenylalanine at codon 154 of the PRICKLE2 protein (p.Cys154Phe). The cysteine residue is highly conserved and there is a large physicochemical difference between cysteine and phenylalanine.

NM_198859.4(PRICKLE2):c.461G>T (p.Cys154Phe)

Gene: PRICKLE2 (prickle planar cell polarity protein 2; minus strand). Cytogenetic location: 3p14.1.
Variant type: single nucleotide variant.
Coding change: c.461G>T on transcript NM_198859.4 (MANE Select); coding-DNA position 461, G replaced by T.
Protein change: p.Cys154Phe; replaces cysteine 154 with phenylalanine.
Molecular consequence: missense variant.
Genome position (GRCh38, 1-based): chr3:64,157,301, C>A on the plus strand (G>T on the coding strand, the complement: PRICKLE2 is on the minus strand). VCF-style: chr3-64157301-C-A. GRCh37 (hg19) VCF-style: chr3-64142977-C-A.
Other names: c.461G>T, p.Cys154Phe (NM_001370528.1); short protein forms C154F.
Identifiers: ClinVar variation 478008 (VCV000478008.7), dbSNP rs1553644844, ClinGen allele CA353435148.